The following is an entry in ClinVar:

ClinVar aggregate classification (germline): Pathogenic (1 of 4 stars; one submission).

Conditions:
Developmental and epileptic encephalopathy, 42 (DEE42A). Also called: DEVELOPMENTAL AND EPILEPTIC ENCEPHALOPATHY 42A; EPILEPTIC ENCEPHALOPATHY, EARLY INFANTILE, 42A; Epileptic encephalopathy, early infantile, 42. Identifiers: MedGen C4310716, MONDO:0014917, OMIM 617106.
Episodic ataxia type 2 (EA2). Also called: EPISODIC ATAXIA, NYSTAGMUS-ASSOCIATED; ACETAZOLAMIDE-RESPONSIVE HEREDITARY PAROXYSMAL CEREBELLAR ATAXIA; ATAXIA, EPISODIC, WITH NYSTAGMUS; ATAXIA, FAMILIAL PAROXYSMAL; CEREBELLAR ATAXIA, PAROXYSMAL, ACETAZOLAMIDE-RESPONSIVE; CEREBELLOPATHY, HEREDITARY PAROXYSMAL. Identifiers: Orphanet 97, MedGen C1720416, MONDO:0007163, OMIM 108500.

Submission:

Labcorp Genetics (formerly Invitae), Labcorp
Classification: Pathogenic for Developmental and epileptic encephalopathy, 42; Episodic ataxia type 2. Last evaluated: 2020-11-11. Review status: criteria provided, single submitter. Criteria: Invitae Variant Classification Sherloc (09022015). Collection method: clinical testing. Allele origin: germline.
Comment: This sequence change creates a premature translational stop signal (p.Asn1189Thrfs*53) in the CACNA1A gene. It is expected to result in an absent or disrupted protein product. This variant is not present in population databases (ExAC no frequency). This variant has not been reported in the literature in individuals with CACNA1A-related conditions. Loss-of-function variants in CACNA1A are known to be pathogenic (PMID: 10371528, 19486177, 25735478, 27250579). For these reasons, this variant has been classified as Pathogenic.

Literature cited by the submitters: PubMed 10371528; PubMed 19486177; PubMed 25735478; PubMed 27250579.

NM_001127222.2(CACNA1A):c.3563del (p.Asn1188fs)

Gene: CACNA1A (calcium voltage-gated channel subunit alpha1 A; minus strand). Cytogenetic location: 19p13.13.
Variant type: Deletion.
Coding change: c.3563del on transcript NM_001127222.2 (MANE Select); coding-DNA position 3563, one base deleted (A; older notation c.3563delA).
Protein change: p.Asn1188fs; shifts the reading frame from asparagine 1188.
Molecular consequence: frameshift variant.
Genome position (GRCh38, 1-based): chr19:13,285,197, T deleted on the plus strand (A on the coding strand, the reverse complement: CACNA1A is on the minus strand); the first of 5 consecutive T bases (chr19:13,285,197-13,285,201); deleting any one gives the same sequence. VCF-style (leftmost placement, unchanged base first): chr19-13285196-GT-G. GRCh37 (hg19) VCF-style: chr19-13396010-GT-G.
Other names: c.3575del, p.Asn1192fs (NM_000068.4, NM_023035.3); c.3566del, p.Asn1189fs (NM_001127221.2, NM_001174080.2); short protein forms N1188fs, N1189fs, N1192fs.
Identifiers: ClinVar variation 1070324 (VCV001070324.7), dbSNP rs2144880750, ClinGen allele CA2499225388.